The following is an entry in ClinVar:

ClinVar aggregate classification (germline): Uncertain significance (1 of 4 stars; one submission).

Conditions:
Ullrich congenital muscular dystrophy 2 (UCMD2). Identifiers: Orphanet 75840, MedGen C4225314, MONDO:0014654, OMIM 616470.
Bethlem myopathy 2 (BTHLM2). Identifiers: Orphanet 536516, Orphanet 610, MedGen C4225313, MONDO:0034022, OMIM 616471.

Submission:

Labcorp Genetics (formerly Invitae), Labcorp
Classification: Uncertain significance for Bethlem myopathy 2; Ullrich congenital muscular dystrophy 2. Last evaluated: 2024-02-11. Review status: criteria provided, single submitter. Criteria: Invitae Variant Classification Sherloc (09022015). Collection method: clinical testing. Allele origin: germline.
Comment: This sequence change replaces alanine, which is neutral and non-polar, with proline, which is neutral and non-polar, at codon 2390 of the COL12A1 protein (p.Ala2390Pro). This variant is not present in population databases (gnomAD no frequency). This variant has not been reported in the literature in individuals affected with COL12A1-related conditions. Advanced modeling of protein sequence and biophysical properties (such as structural, functional, and spatial information, amino acid conservation, physicochemical variation, residue mobility, and thermodynamic stability) has been performed at Invitae for this missense variant, however the output from this modeling did not meet the statistical confidence thresholds required to predict the impact of this variant on COL12A1 protein function. In summary, the available evidence is currently insufficient to determine the role of this variant in disease. Therefore, it has been classified as a Variant of Uncertain Significance.

NM_004370.6(COL12A1):c.7168G>C (p.Ala2390Pro)

Genes: COL12A1 (collagen type XII alpha 1 chain; minus strand), LOC126859712 (MED14-independent group 3 enhancer GRCh37_chr6:75828643-75829842; plus strand). Cytogenetic location: 6q13.
Variant type: single nucleotide variant.
Coding change: c.7168G>C on transcript NM_004370.6 (MANE Select); coding-DNA position 7168, G replaced by C.
Protein change: p.Ala2390Pro; replaces alanine 2390 with proline.
Molecular consequence: missense variant.
Genome position (GRCh38, 1-based): chr6:75,119,392, C>G on the plus strand (G>C on the coding strand, the complement: COL12A1 is on the minus strand). VCF-style: chr6-75119392-C-G. GRCh37 (hg19) VCF-style: chr6-75829108-C-G.
Other names: c.7168G>C, p.Ala2390Pro (NM_001424113.1); c.7147G>C, p.Ala2383Pro (NM_001424114.1); c.6895G>C, p.Ala2299Pro (NM_001424115.1); c.3676G>C, p.Ala1226Pro (NM_001424116.1, NM_080645.3); short protein forms A1226P, A2299P, A2383P, A2390P.
Identifiers: ClinVar variation 3749370 (VCV003749370.2).